The following is an entry in ClinVar:

NM_003392.7(WNT5A):c.830G>C (p.Arg277Pro)

Gene: WNT5A (Wnt family member 5A; minus strand). Cytogenetic location: 3p14.3.
Variant type: single nucleotide variant.
Coding change: c.830G>C on transcript NM_003392.7 (MANE Select); coding-DNA position 830, G replaced by C.
Protein change: p.Arg277Pro; replaces arginine 277 with proline.
Molecular consequence: missense variant.
Genome position (GRCh38, 1-based): chr3:55,470,405, C>G on the plus strand (G>C on the coding strand, the complement: WNT5A is on the minus strand). VCF-style: chr3-55470405-C-G. GRCh37 (hg19) VCF-style: chr3-55504433-C-G.
Other names: c.785G>C, p.Arg262Pro (NM_001256105.1, NM_001377271.1, NM_001377272.1); short protein forms R262P, R277P.
Identifiers: ClinVar variation 3347185 (VCV003347185.1).

ClinVar aggregate classification (germline): Likely pathogenic (0 of 4 stars; one submission).

Conditions:
WNT5A-related disorder. Also called: WNT5A-related condition.

Submission:

PreventionGenetics, part of Exact Sciences
Classification: Likely pathogenic for WNT5A-related condition. Last evaluated: 2024-07-10. Review status: no assertion criteria provided. Collection method: clinical testing. Allele origin: germline.
Comment: The WNT5A c.830G>C variant is predicted to result in the amino acid substitution p.Arg277Pro. To our knowledge, this variant has not been reported in the literature or in a large population database, indicating this variant is rare. This variant is interpreted as likely pathogenic.